The following is an entry in ClinVar:

ClinVar aggregate classification (germline): Conflicting classifications of pathogenicity. Review status: criteria provided, conflicting classifications (1 of 4 stars). 8 submissions from 8 submitters: Pathogenic (1); Likely pathogenic (4); Uncertain significance (3). Last evaluated 2025-09-02.

Conditions:
Hereditary hyperinsulinism.
Diabetes mellitus, transient neonatal, 2 (TNDM2). Identifiers: Orphanet 99886, MedGen C1835887, MONDO:0012480, OMIM 610374. Disease mechanism: loss of function.
Hyperinsulinemic hypoglycemia, familial, 1 (HHF1). Also called: HYPERINSULINISM, FAMILIAL, WITH PANCREATIC NESIDIOBLASTOSIS; HYPOGLYCEMIA, HYPERINSULINEMIC, OF INFANCY; NESIDIOBLASTOSIS OF PANCREAS; Persistent hyperinsulinemic hypoglycemia of infancy; Persistent Hyperinsulinemia Hypoglycemia of Infancy. Identifiers: Orphanet 276575, Orphanet 276598, MedGen C2931832, MONDO:0009734, OMIM 256450.
Leucine-induced hypoglycemia (LIH). Also called: LEUCINE-SENSITIVE HYPOGLYCEMIA OF INFANCY. Identifiers: MedGen C0271714, MONDO:0009415, OMIM 240800.
Type 2 diabetes mellitus. Also called: Type II diabetes mellitus. Identifiers: MedGen C0011860, MeSH D003924, MONDO:0005148, OMIM 125853, HP:0005978.
Diabetes mellitus, permanent neonatal 3. Also called: ABCC8-Related Permanent Neonatal Diabetes Mellitus. Identifiers: MedGen C5394303, MONDO:0030088, OMIM 618857.
ABCC8-related disorder.

Allele frequency attached by ClinVar (database versions not stated): TOPMed 0.00001; gnomAD 0.00002; gnomAD exomes 0.00002 and 0.00004; ExAC 0.00003.
gnomAD v4.1: 63 of 1,614,030 alleles (0.0039%); highest among the groups gnomAD compares: Admixed American, 0.005%; no homozygotes.

Submissions (8):

Variantyx, Inc.
Classification: Likely pathogenic for Hyperinsulinemic hypoglycemia, familial, 1. Last evaluated: 2025-09-02. Review status: criteria provided, single submitter. Criteria: Variantyx Assertion Criteria 2022. Collection method: clinical testing. Allele origin: germline. Inheritance: Semidominant inheritance. Affected: no.
Comment: This is a nonsynonymous variant in the ABCC8 gene (OMIM: 600509). This variant is also known known as c.207_208inv. Pathogenic variants in this gene have been associated with autosomal semidominant ABCC8-related disorders. This variant has been identified in the the published literature in the compound heterozygous state in at least two individuals with congenital hyperinsulinism (PMID: 30086540, 27908292) (PM3_Strong). An alternate amino acid change at this position (p.Gly70Glu) has been previously reported in similarly affected individuals, which suggests that this residue is biologically important (PMID: 15579781) (PM5) and multiple computational algorithms predict a deleterious effect for this variant (REVEL score: 0.885) (PP3). This variant has a 0.0050% maximum allele frequency in non-founder control populations (PM2). Based on the current evidence, this variant is classified as likely pathogenic for autosomal semidominant ABCC8-related disorders.

Natera, Inc.
Classification: Likely pathogenic for Hereditary hyperinsulinism. Last evaluated: 2025-06-09. Review status: criteria provided, single submitter. Criteria: Natera Variant Classification Schema (03/2026). Collection method: clinical testing. Allele origin: germline.
Comment: The c.208G>A variant in ABCC8 is a missense variant predicted to cause substitution of glycine to arginine at amino acid 70. This variant is rare in the general population with a frequency below the threshold expected for the associated phenotype(s). This variant has been observed in one or more individuals affected with the associated recessive disease, as either homozygous or compound heterozygous with a second variant (PMID: 27908292, 30086540). A different variant at the same position has been determined to be Pathogenic or Likely Pathogenic. Computational prediction algorithms indicate this variant is likely to affect gene or protein function. Given the available evidence, this variant is classified as Likely Pathogenic.

Women's Health and Genetics/Laboratory Corporation of America, LabCorp
Classification: Uncertain significance. Last evaluated: 2024-08-02. Review status: criteria provided, single submitter. Criteria: LabCorp Variant Classification Summary - May 2015. Collection method: clinical testing. Allele origin: germline.
Comment: Variant summary: ABCC8 c.208G>A (p.Gly70Arg) results in a non-conservative amino acid change in the encoded protein sequence. Five of five in-silico tools predict a damaging effect of the variant on protein function. The variant allele was found at a frequency of 2e-05 in 251384 control chromosomes. The available data on variant occurrences in the general population are insufficient to allow any conclusion about variant significance. c.208G>A has been reported in the literature in at-least one individual affected with Congenital Hyperinsulinism (example: Salomon-Estebanez_2016) . These data do not allow any conclusion about variant significance. To our knowledge, no experimental evidence demonstrating an impact on protein function has been reported. The following publications have been ascertained in the context of this evaluation (PMID: 21378087, 7908292). ClinVar contains an entry for this variant (Variation ID: 1677653). Based on the evidence outlined above, the variant was classified as uncertain significance.

PreventionGenetics, part of Exact Sciences
Classification: Pathogenic for ABCC8-related condition. Last evaluated: 2023-05-18. Review status: criteria provided, single submitter. Criteria: ACMG Guidelines, 2015. Collection method: clinical testing. Allele origin: germline.
Comment: The ABCC8 c.208G>A variant is predicted to result in the amino acid substitution p.Gly70Arg. This variant was reported to be causative for congenital hyperinsulinism (Banerjee et al. 2011. PubMed ID: 21378087; Vajravelu et al. 2019. PubMed ID: 30086540). This variant is reported in 0.0056% of alleles in individuals of Latino descent in gnomAD. A different nucleotide substitution affecting the same amino acid residue (c.209G>A, p.Gly70Glu) has also been reported to be pathogenic for congenital hyperinsulinism (Tornovsky et al. 2004. PubMed ID: 15579781). The c.208G>A (p.Gly70Arg) variant is interpreted as pathogenic.

GeneDx
Classification: Likely pathogenic. Last evaluated: 2022-12-13. Review status: criteria provided, single submitter. Criteria: GeneDx Variant Classification Process June 2021. Collection method: clinical testing. Allele origin: germline. Affected: yes.
Comment: In silico analysis supports that this missense variant has a deleterious effect on protein structure/function; In silico analysis suggests this variant may impact gene splicing. In the absence of RNA/functional studies, the actual effect of this sequence change is unknown.; This variant is associated with the following publications: (PMID: 21378087, 27573238, 15579781, 30086540)

Fulgent Genetics
Classification: Uncertain significance for Type 2 diabetes mellitus; Leucine-induced hypoglycemia; Hyperinsulinemic hypoglycemia, familial, 1; Diabetes mellitus, transient neonatal, 2; Diabetes mellitus, permanent neonatal 3. Last evaluated: 2022-04-12. Review status: criteria provided, single submitter. Criteria: ACMG Guidelines, 2015. Collection method: clinical testing. Allele origin: unknown.

Revvity Omics, Revvity
Classification: Likely pathogenic. Last evaluated: 2021-12-29. Review status: criteria provided, single submitter. Criteria: ACMG Guidelines, 2015. Collection method: clinical testing. Allele origin: germline.

AiLife Diagnostics
Classification: Uncertain significance. Last evaluated: 2021-11-19. Review status: criteria provided, single submitter. Criteria: ACMG Guidelines, 2015. Collection method: clinical testing. Allele origin: germline. Affected: yes. Observed: 1 variant allele.

Literature cited by the submitters: PubMed 30086540 (cited by Variantyx, Inc. and Natera, Inc.); PubMed 27908292 (cited by Variantyx, Inc. and Natera, Inc.); PubMed 15579781 (cited by Variantyx, Inc.); PubMed 21378087 (cited by Women's Health and Genetics/Laboratory Corporation of America, LabCorp and AiLife Diagnostics); PubMed 7908292 (cited by Women's Health and Genetics/Laboratory Corporation of America, LabCorp).

NM_000352.6(ABCC8):c.208G>A (p.Gly70Arg)

Gene: ABCC8 (ATP binding cassette subfamily C member 8; minus strand). Cytogenetic location: 11p15.1.
Variant type: single nucleotide variant.
Coding change: c.208G>A on transcript NM_000352.6 (MANE Select); coding-DNA position 208, G replaced by A.
Protein change: p.Gly70Arg; replaces glycine 70 with arginine.
Molecular consequence: missense variant. On other transcripts: non-coding transcript variant (1).
Genome position (GRCh38, 1-based): chr11:17,474,968, C>T on the plus strand (G>A on the coding strand, the complement: ABCC8 is on the minus strand). VCF-style: chr11-17474968-C-T. GRCh37 (hg19) VCF-style: chr11-17496515-C-T.
Other names: c.208G>A, p.Gly70Arg (NM_001287174.3, NM_001351295.2, NM_001351296.2 and 1 more transcripts); c.208G>A (NM_000352.4, NM_000352.5); short protein forms G70R.
Identifiers: ClinVar variation 1677653 (VCV001677653.9), dbSNP rs764349043, ClinGen allele CA5903949.